The following is an entry in ClinVar:

NM_001037.5(SCN1B):c.259G>C (p.Glu87Gln)

Gene: SCN1B (sodium voltage-gated channel beta subunit 1; plus strand). Cytogenetic location: 19q13.11.
Variant type: single nucleotide variant.
Coding change: c.259G>C on transcript NM_001037.5 (MANE Select); coding-DNA position 259, G replaced by C.
Protein change: p.Glu87Gln; replaces glutamic acid 87 with glutamine.
Molecular consequence: missense variant.
Genome position (GRCh38, 1-based): chr19:35,033,550, G>C. VCF-style: chr19-35033550-G-C. GRCh37 (hg19) VCF-style: chr19-35524454-G-C.
Other names: c.160G>C, p.Glu54Gln (NM_001321605.2); c.259G>C, p.Glu87Gln (NM_199037.5); c.259G>C (NM_001037.4); short protein forms E87Q, E54Q.
Identifiers: ClinVar variation 9255 (VCV000009255.4), dbSNP rs121434627, ClinGen allele CA120244.

ClinVar aggregate classification (germline): Uncertain significance. Review status: criteria provided, multiple submitters, no conflicts (2 of 4 stars). 3 submissions from 3 submitters: Uncertain significance (2). 1 of the submissions does not count toward it. Last evaluated 2024-03-25.

Conditions:
Conduction system disorder. Also called: Cardiac conduction defect, nonspecific; conduction system disease; Cardiac conduction disease. Identifiers: MedGen C2748542, MONDO:0005449.
Developmental and epileptic encephalopathy, 52 (DEE52). Also called: Epileptic encephalopathy, early infantile, 52. Identifiers: MedGen C4479236, MONDO:0033361, OMIM 617350.

gnomAD v4.1: 3 of 1,614,024 alleles (0.00019%); highest among the groups gnomAD compares: Non-Finnish European, 0.000085%; no homozygotes.

Submissions (3):

Genomic Medicine Center of Excellence, King Faisal Specialist Hospital and Research Centre
Classification: Uncertain significance for Developmental and epileptic encephalopathy, 52. Last evaluated: 2024-03-25. Review status: criteria provided, single submitter. Criteria: ACMG Guidelines, 2015. Collection method: research. Allele origin: germline.

GeneDx
Classification: Uncertain significance. Last evaluated: 2023-03-28. Review status: criteria provided, single submitter. Criteria: GeneDx Variant Classification Process June 2021. Collection method: clinical testing. Allele origin: germline. Affected: yes.
Comment: Published functional studies suggest a damaging effect, as variant may reduce sodium channel functional expression and lead to decrease in Nav1.5 current (Watanabe et al., 2008; Baroni et al., 2017); Not observed at significant frequency in large population cohorts (gnomAD); In silico analysis supports that this missense variant does not alter protein structure/function; This variant is associated with the following publications: (PMID: 18464934, 29758173, 28878239, 34034907, 22247482)

OMIM
Classification: Pathogenic for CARDIAC CONDUCTION DEFECT, NONSPECIFIC. Last evaluated: 2008-06-01. Review status: no assertion criteria provided. Collection method: literature only. Allele origin: germline. Not counted in ClinVar's aggregate classification.

Literature cited by the submitters: PubMed 18464934 (cited by OMIM).